The following is an entry in ClinVar:

NM_000255.4(MMUT):c.521T>C (p.Phe174Ser)

Gene: MMUT (methylmalonyl-CoA mutase; minus strand). Cytogenetic location: 6p12.3.
Variant type: single nucleotide variant.
Coding change: c.521T>C on transcript NM_000255.4 (MANE Select); coding-DNA position 521, T replaced by C.
Protein change: p.Phe174Ser; replaces phenylalanine 174 with serine.
Molecular consequence: missense variant.
Genome position (GRCh38, 1-based): chr6:49,457,923, A>G on the plus strand (T>C on the coding strand, the complement: MMUT is on the minus strand). VCF-style: chr6-49457923-A-G. GRCh37 (hg19) VCF-style: chr6-49425636-A-G.
Other names: short protein forms F174S.
Identifiers: ClinVar variation 218986 (VCV000218986.11), dbSNP rs864309733, ClinGen allele CA347890.

ClinVar aggregate classification (germline): Pathogenic/Likely pathogenic. Review status: criteria provided, multiple submitters, no conflicts (2 of 4 stars). 3 submissions from 3 submitters: Pathogenic (1); Likely pathogenic (1). 1 of the submissions does not count toward it. Last evaluated 2025-09-10.

Conditions:
Methylmalonic aciduria due to methylmalonyl-CoA mutase deficiency (MAMM). Also called: Methylmalonic aciduria, mut type. Identifiers: Orphanet 27, MedGen C1855114, MONDO:0009612, OMIM 251000.

Allele frequency attached by ClinVar (database versions not stated): gnomAD exomes below 0.00001; gnomAD 0.00001.
gnomAD v4.1: 3 of 1,613,622 alleles (0.00019%); highest among the groups gnomAD compares: African/African-American, 0.0013%; no homozygotes.

Submissions (3):

Genomic Medicine Center of Excellence, King Faisal Specialist Hospital and Research Centre
Classification: Likely pathogenic for Methylmalonic aciduria due to methylmalonyl-CoA mutase deficiency. Last evaluated: 2025-09-10. Review status: criteria provided, single submitter. Criteria: ACMG Guidelines, 2015. Collection method: clinical testing. Allele origin: germline.

Labcorp Genetics (formerly Invitae), Labcorp
Classification: Pathogenic. Last evaluated: 2022-02-08. Review status: criteria provided, single submitter. Criteria: Invitae Variant Classification Sherloc (09022015). Collection method: clinical testing. Allele origin: germline.
Comment: This sequence change replaces phenylalanine, which is neutral and non-polar, with serine, which is neutral and polar, at codon 174 of the MUT protein (p.Phe174Ser). This variant is not present in population databases (gnomAD no frequency). This missense change has been observed in individual(s) with methylmalonic aciduria (PMID: 10923046, 16281286, 26615597, 27167370). ClinVar contains an entry for this variant (Variation ID: 218986). Algorithms developed to predict the effect of missense changes on protein structure and function are either unavailable or do not agree on the potential impact of this missense change (SIFT: "Deleterious"; PolyPhen-2: "Probably Damaging"; Align-GVGD: "Class C0"). For these reasons, this variant has been classified as Pathogenic.

GeneReviews
No classification provided. Condition: Methylmalonic aciduria due to methylmalonyl-CoA mutase deficiency. Review status: no classification provided. Collection method: literature only. Allele origin: germline. Affected: yes. Not counted in ClinVar's aggregate classification.
Comment: mut0 enzymatic subtype

Literature cited by the submitters: PubMed 10923046 (cited by Labcorp Genetics (formerly Invitae), Labcorp); PubMed 16281286 (cited by Labcorp Genetics (formerly Invitae), Labcorp); PubMed 26615597 (cited by Labcorp Genetics (formerly Invitae), Labcorp); PubMed 27167370 (cited by Labcorp Genetics (formerly Invitae), Labcorp); NCBI Bookshelf NBK1231 (cited by GeneReviews).